The following is an entry in ClinVar:

ClinVar aggregate classification (germline): Uncertain significance. Review status: criteria provided, multiple submitters, no conflicts (2 of 4 stars). 4 submissions from 4 submitters: Uncertain significance (4). Last evaluated 2025-06-07.

Allele frequency attached by ClinVar (database versions not stated): gnomAD exomes 0.00001; ExAC 0.00002; gnomAD 0.00003; TOPMed 0.00006; ESP Exome Variant Server 0.00008.
gnomAD v4.1: 21 of 1,613,072 alleles (0.0013%); highest among the groups gnomAD compares: Admixed American, 0.0067%; no homozygotes.

Submissions (4):

Ambry Genetics
Classification: Uncertain significance. Last evaluated: 2025-06-07. Review status: criteria provided, single submitter. Criteria: Ambry Variant Classification Scheme 2023. Collection method: clinical testing. Allele origin: germline.

GeneDx
Classification: Uncertain significance. Last evaluated: 2024-07-10. Review status: criteria provided, single submitter. Criteria: GeneDx Variant Classification Process June 2021. Collection method: clinical testing. Allele origin: germline. Affected: yes.
Comment: In silico analysis indicates that this missense variant does not alter protein structure/function; Has not been previously published as pathogenic or benign to our knowledge

Labcorp Genetics (formerly Invitae), Labcorp
Classification: Uncertain significance. Last evaluated: 2024-04-10. Review status: criteria provided, single submitter. Criteria: Invitae Variant Classification Sherloc (09022015). Collection method: clinical testing. Allele origin: germline.
Comment: This sequence change replaces histidine, which is basic and polar, with tyrosine, which is neutral and polar, at codon 126 of the SPTA1 protein (p.His126Tyr). This variant is present in population databases (rs367850580, gnomAD 0.009%). This variant has not been reported in the literature in individuals affected with SPTA1-related conditions. Algorithms developed to predict the effect of missense changes on protein structure and function output the following: SIFT: "Not Available"; PolyPhen-2: "Benign"; Align-GVGD: "Not Available". The tyrosine amino acid residue is found in multiple mammalian species, which suggests that this missense change does not adversely affect protein function. In summary, the available evidence is currently insufficient to determine the role of this variant in disease. Therefore, it has been classified as a Variant of Uncertain Significance.

ARUP Laboratories, Molecular Genetics and Genomics, ARUP Laboratories
Classification: Uncertain significance. Last evaluated: 2023-08-14. Review status: criteria provided, single submitter. Criteria: ARUP Molecular Germline Variant Investigation Process 2024. Collection method: clinical testing. Allele origin: germline.

NM_003126.4(SPTA1):c.376C>T (p.His126Tyr)

Gene: SPTA1 (spectrin alpha, erythrocytic 1; minus strand). Cytogenetic location: 1q23.1.
Variant type: single nucleotide variant.
Coding change: c.376C>T on transcript NM_003126.4 (MANE Select); coding-DNA position 376, C replaced by T.
Protein change: p.His126Tyr; replaces histidine 126 with tyrosine.
Molecular consequence: missense variant.
Genome position (GRCh38, 1-based): chr1:158,683,385, G>A on the plus strand (C>T on the coding strand, the complement: SPTA1 is on the minus strand). VCF-style: chr1-158683385-G-A. GRCh37 (hg19) VCF-style: chr1-158653175-G-A.
Other names: c.376C>T (NM_003126.2); short protein forms H126Y.
Identifiers: ClinVar variation 2887555 (VCV002887555.5), dbSNP rs367850580, ClinGen allele CA1184187.